The following is an entry in ClinVar:

NM_001042492.3(NF1):c.6881C>T (p.Thr2294Ile)

Gene: NF1 (neurofibromin 1; plus strand). Cytogenetic location: 17q11.2.
Variant type: single nucleotide variant.
Coding change: c.6881C>T on transcript NM_001042492.3 (MANE Select); coding-DNA position 6881, C replaced by T.
Protein change: p.Thr2294Ile; replaces threonine 2294 with isoleucine.
Molecular consequence: missense variant.
Genome position (GRCh38, 1-based): chr17:31,338,765, C>T. VCF-style: chr17-31338765-C-T. GRCh37 (hg19) VCF-style: chr17-29665783-C-T.
Other names: c.6818C>T, p.Thr2273Ile (NM_000267.4); short protein forms T2273I, T2294I.
Identifiers: ClinVar variation 185064 (VCV000185064.14), dbSNP rs786201902, ClinGen allele CA190906.
Genomic context (GRCh38, chr17:31,338,765, plus strand): 5'-CACTTGAGAGTTGCTTAAAAGGACCTGACACTTACAACAGTCAAGTTCTGATAGAAGCTA[C>T]AGTAATAGCACTAACCAAATTACAGCCACTTCTTAATAAGGTAATTACTGTATAGAAAAT-3'
Protein context (NP_001035957.1, residues 2284-2304): TYNSQVLIEA[Thr2294Ile]VIALTKLQPL

ClinVar aggregate classification (germline): Uncertain significance. Review status: criteria provided, multiple submitters, no conflicts (2 of 4 stars). 6 submissions from 5 submitters: Uncertain significance (6). Last evaluated 2025-02-12.

Conditions:
Cardiovascular phenotype. Identifiers: MedGen CN230736.
Hereditary cancer-predisposing syndrome. Also called: Tumor predisposition; Hereditary Cancer Syndrome; Hereditary neoplastic syndrome; Neoplastic Syndromes, Hereditary. Identifiers: Orphanet 140162, MedGen C0027672, MeSH D009386, MONDO:0015356.
Astrocytoma IDH-mutant. Identifiers: MedGen C5669733.
Neurofibromatosis, familial spinal (FSNF). Identifiers: Orphanet 636, MedGen C1834235, MONDO:0008078, OMIM 162210. Disease mechanism: loss of function.
Neurofibromatosis, type 1 (NF1). Also called: VON RECKLINGHAUSEN DISEASE; NEUROFIBROMATOSIS, TYPE I, SOMATIC; Peripheral type neurofibromatosis; Neurofibromatosis, type I. Identifiers: Orphanet 636, MedGen C0027831, MONDO:0018975, OMIM 162200. Disease mechanism: loss of function.
Neurofibromatosis-Noonan syndrome (NFNS). Also called: NEUROFIBROMATOSIS WITH NOONAN PHENOTYPE. Identifiers: Orphanet 638, MedGen C2931482, MONDO:0011035, OMIM 601321. Disease mechanism: loss of function.
Café-au-lait macules with pulmonary stenosis (WTSN). Also called: PULMONIC STENOSIS WITH CAFE-AU-LAIT SPOTS. Identifiers: MedGen C0553586, MONDO:0008672, OMIM 193520.
Juvenile myelomonocytic leukemia (JMML). Also called: LEUKEMIA, JUVENILE MYELOMONOCYTIC, SOMATIC. Identifiers: Orphanet 86834, MedGen C0349639, MONDO:0011908, OMIM 607785, HP:0012209.

Allele frequency attached by ClinVar (database versions not stated): gnomAD exomes below 0.00001.
gnomAD v4.1: 1 of 1,613,232 alleles (0.000062%); highest among the groups gnomAD compares: Non-Finnish European, 0.000085%; no homozygotes.

Submissions (6):

Labcorp Genetics (formerly Invitae), Labcorp
Classification: Uncertain significance for Neurofibromatosis, type 1. Last evaluated: 2025-02-12. Review status: criteria provided, single submitter. Criteria: Invitae Variant Classification Sherloc (09022015). Collection method: clinical testing. Allele origin: germline.
Comment: This sequence change replaces threonine, which is neutral and polar, with isoleucine, which is neutral and non-polar, at codon 2273 of the NF1 protein (p.Thr2273Ile). This variant is not present in population databases (gnomAD no frequency). This variant has not been reported in the literature in individuals affected with NF1-related conditions. ClinVar contains an entry for this variant (Variation ID: 185064). Invitae Evidence Modeling of protein sequence and biophysical properties (such as structural, functional, and spatial information, amino acid conservation, physicochemical variation, residue mobility, and thermodynamic stability) indicates that this missense variant is not expected to disrupt NF1 protein function with a negative predictive value of 95%. In summary, the available evidence is currently insufficient to determine the role of this variant in disease. Therefore, it has been classified as a Variant of Uncertain Significance.

Fulgent Genetics
Classification: Uncertain significance for Neurofibromatosis, type 1; Neurofibromatosis, familial spinal; Café-au-lait macules with pulmonary stenosis; Neurofibromatosis-Noonan syndrome; Juvenile myelomonocytic leukemia. Last evaluated: 2024-01-29. Review status: criteria provided, single submitter. Criteria: ACMG Guidelines, 2015. Collection method: clinical testing. Allele origin: germline.

Ambry Genetics
Classification: Uncertain significance for Cardiovascular phenotype; Hereditary cancer-predisposing syndrome. Last evaluated: 2022-08-04. Review status: criteria provided, single submitter. Criteria: Ambry Variant Classification Scheme 2023. Collection method: clinical testing. Allele origin: germline.

Laboratory of Medical Genetics Unit, Bambino Gesù Children's Hospital
Classification: Uncertain significance for Astrocytoma IDH-mutant. Last evaluated: 2022-05-02. Review status: criteria provided, single submitter. Criteria: ACMG Guidelines, 2015. Collection method: research. Allele origin: paternal. Affected: yes. Observed: 1 heterozygote.

Genome-Nilou Lab
Classification: Uncertain significance for Neurofibromatosis, type 1. Last evaluated: 2022-03-15. Review status: criteria provided, single submitter. Criteria: ACMG Guidelines, 2015. Collection method: clinical testing. Allele origin: germline. Affected: no.

Ambry Genetics
Classification: Uncertain significance for Hereditary cancer-predisposing syndrome. Last evaluated: 2014-06-24. Review status: criteria provided, single submitter. Criteria: Ambry Autosomal Dominant and X-Linked criteria (10/2015). Collection method: clinical testing. Allele origin: germline. Observed: 1 variant allele.
Comment: The p.T2294I variant (also known as c.6881C>T), located in coding exon 46 of the NF1 gene, results from a C to T substitution at nucleotide position 6881. The threonine at codon 2294 is replaced by isoleucine, an amino acid with similar properties. This variant was not reported in population based cohorts in the following databases: Database of Single Nucleotide Polymorphisms (dbSNP), NHLBI Exome Sequencing Project (ESP), and 1000 Genomes Project. In the ESP, this variant was not observed in 6496 samples (12992 alleles) with coverage at this position. To date, this alteration has been detected with an allele frequency of approximately 0.02% (greater than 5000 alleles tested) in our clinical cohort (includes this individual). This amino acid position is highly conserved in available vertebrate species. In addition, this alteration is predicted to be benign and tolerated by PolyPhen and SIFT in silico analyses, respectively. Since supporting evidence is limited at this time, the clinical significance of p.T2294I remains unclear.